The following is an entry in ClinVar:

ClinVar aggregate classification (germline): Pathogenic (3 of 4 stars; one submission).

Conditions:
Lynch syndrome. Identifiers: Orphanet 144, MedGen C4552100, MONDO:0005835. Disease mechanism: loss of function.

Submission:

International Society for Gastrointestinal Hereditary Tumours (InSiGHT)
Classification: Pathogenic for Lynch Syndrome. Last evaluated: 2013-09-05. Review status: reviewed by expert panel. Criteria: Guidelines v1.9. Collection method: research. Allele origin: germline.
Comment: Large deletion

Classified with v1.9 guidelines

NM_000535.6(PMS2):c.706-?_803+?del

Gene: PMS2 (PMS1 homolog 2, mismatch repair system component; minus strand).
Variant type: Deletion.
Coding change: c.706-?_803+?del on transcript NM_000535.6.
Other names: c.706-?_803+?del (LRG_161t1).
Identifiers: ClinVar variation 91365 (VCV000091365.2).